The following is an entry in ClinVar:

ClinVar aggregate classification (germline): Uncertain significance (1 of 4 stars; one submission).

Submission:

GeneDx
Classification: Uncertain significance. Last evaluated: 2017-01-30. Review status: criteria provided, single submitter. Criteria: GeneDx Variant Classification (06012015). Collection method: clinical testing. Allele origin: germline. Affected: yes.
Comment: A variant of uncertain significance has been identified in the SALL4 gene. The L226P variant has not been published as a pathogenic variant, nor has it been reported as a benign variant to our knowledge. L226P was not observed in approximately 6400 individuals of European and African American ancestry in the NHLBI Exome Sequencing Project, indicating it is not a common benign variant in these populations. The variant is a semi-conservative amino acid substitution, which may impact secondary protein structure as these residues differ in some properties. This substitution occurs at a position that is conserved across species, and in silico analysis predicts this variant is probably damaging to the protein structure/function. Therefore, based on the currently available information, it is unclear whether this variant is pathogenic or a rare benign variant.

NM_020436.5(SALL4):c.677T>C (p.Leu226Pro)

Gene: SALL4 (spalt like transcription factor 4; minus strand). Cytogenetic location: 20q13.2.
Variant type: single nucleotide variant.
Coding change: c.677T>C on transcript NM_020436.5 (MANE Select); coding-DNA position 677, T replaced by C.
Protein change: p.Leu226Pro; replaces leucine 226 with proline.
Molecular consequence: missense variant.
Genome position (GRCh38, 1-based): chr20:51,791,806, A>G on the plus strand (T>C on the coding strand, the complement: SALL4 is on the minus strand). VCF-style: chr20-51791806-A-G. GRCh37 (hg19) VCF-style: chr20-50408345-A-G.
Other names: c.677T>C (LRG_675t1); c.677T>C, p.Leu226Pro (NM_001318031.2); short protein forms L226P.
Identifiers: ClinVar variation 423383 (VCV000423383.2), dbSNP rs1064796393, ClinGen allele CA16620941.